The following is an entry in ClinVar:

NM_007294.4(BRCA1):c.3560G>C (p.Ser1187Thr)

Genes: BRCA1 (BRCA1 DNA repair associated; minus strand), LOC126862571 (BRD4-independent group 4 enhancer GRCh37_chr17:41243136-41244335; plus strand). Cytogenetic location: 17q21.31.
Variant type: single nucleotide variant.
Coding change: c.3560G>C on transcript NM_007294.4 (MANE Select); coding-DNA position 3560, G replaced by C.
Protein change: p.Ser1187Thr; replaces serine 1187 with threonine.
Molecular consequence: missense variant. On other transcripts: intron variant (135).
Genome position (GRCh38, 1-based): chr17:43,091,971, C>G on the plus strand (G>C on the coding strand, the complement: BRCA1 is on the minus strand). VCF-style: chr17-43091971-C-G. GRCh37 (hg19) VCF-style: chr17-41243988-C-G.
Other names: c.3347G>C, p.Ser1116Thr (NM_001407571.1, NM_001407853.1, NM_001407894.1 and 9 more transcripts); c.3560G>C, p.Ser1187Thr (NM_001407581.1, NM_001407582.1, NM_001407583.1 and 30 more transcripts); c.3557G>C, p.Ser1186Thr (NM_001407587.1, NM_001407590.1, NM_001407591.1 and 22 more transcripts); c.3551G>C, p.Ser1184Thr (NM_001407646.1, NM_001407647.1); c.3437G>C, p.Ser1146Thr (NM_001407648.1, NM_001407664.1, NM_001407665.1 and 19 more transcripts); c.3434G>C, p.Ser1145Thr (NM_001407649.1, NM_001407670.1, NM_001407671.1 and 11 more transcripts); c.3482G>C, p.Ser1161Thr (NM_001407653.1, NM_001407654.1, NM_001407655.1 and 4 more transcripts); c.3479G>C, p.Ser1160Thr (NM_001407659.1, NM_001407660.1, NM_001407661.1 and 1 more transcripts); and 41 more; short protein forms S1187T, S1140T, S1075T, S1116T, S1120T, S1145T, S1186T, S1019T.
Identifiers: ClinVar variation 619626 (VCV000619626.11), dbSNP rs80356975, ClinGen allele CA10594845.

ClinVar aggregate classification (germline): Conflicting classifications of pathogenicity. Review status: criteria provided, conflicting classifications (1 of 4 stars). 3 submissions from 3 submitters: Uncertain significance (2); Likely benign (1). Last evaluated 2025-10-22.

Conditions:
Hereditary cancer-predisposing syndrome. Also called: Neoplastic Syndromes, Hereditary; Hereditary neoplastic syndrome; Tumor predisposition; Hereditary Cancer Syndrome. Identifiers: Orphanet 140162, MedGen C0027672, MeSH D009386, MONDO:0015356.

Submissions (3):

Color Diagnostics, LLC DBA Color Health
Classification: Uncertain significance for Hereditary cancer-predisposing syndrome. Last evaluated: 2025-10-22. Review status: criteria provided, single submitter. Criteria: ACMG Guidelines, 2015. Collection method: clinical testing. Allele origin: germline.
Comment: This missense variant replaces serine with threonine at codon 1187 of the BRCA1 protein. Computational prediction suggests that this variant may not impact protein structure and function. To our knowledge, functional studies have not been reported for this variant. This variant has not been reported in individuals affected with hereditary cancer in the literature. This variant has not been identified in the general population by the Genome Aggregation Database (gnomAD). The available evidence is insufficient to determine the role of this variant in disease conclusively. Therefore, this variant is classified as a Variant of Uncertain Significance.

University of Washington Department of Laboratory Medicine, University of Washington
Classification: Likely benign for Hereditary cancer-predisposing syndrome. Last evaluated: 2023-03-23. Review status: criteria provided, single submitter. Criteria: Dines et al. (Genet Med. 2020). Collection method: curation. Allele origin: germline.
Comment: Missense variant in a coldspot region where missense variants are very unlikely to be pathogenic (PMID:31911673).

BRCA1 coldspot (exon 11 using historical exon numbering). Reclassification based on statistical prior probability

Quest Diagnostics Nichols Institute San Juan Capistrano
Classification: Uncertain significance. Last evaluated: 2018-05-13. Review status: criteria provided, single submitter. Criteria: Quest Diagnostics criteria. Collection method: clinical testing. Allele origin: germline.